The following is an entry in ClinVar:

NM_006545.5(NPRL2):c.866G>A (p.Ser289Asn)

Gene: NPRL2 (NPR2 like, GATOR1 complex subunit; minus strand). Cytogenetic location: 3p21.31.
Variant type: single nucleotide variant.
Coding change: c.866G>A on transcript NM_006545.5 (MANE Select); coding-DNA position 866, G replaced by A.
Protein change: p.Ser289Asn; replaces serine 289 with asparagine.
Molecular consequence: missense variant.
Genome position (GRCh38, 1-based): chr3:50,348,190, C>T on the plus strand (G>A on the coding strand, the complement: NPRL2 is on the minus strand). VCF-style: chr3-50348190-C-T. GRCh37 (hg19) VCF-style: chr3-50385621-C-T.
Other names: short protein forms S289N.
Identifiers: ClinVar variation 4056992 (VCV004056992.1).

ClinVar aggregate classification (germline): Uncertain significance (1 of 4 stars; one submission).

Submission:

GeneDx
Classification: Uncertain significance. Last evaluated: 2025-01-08. Review status: criteria provided, single submitter. Criteria: GeneDx Variant Classification Process June 2021. Collection method: clinical testing. Allele origin: germline. Affected: yes.
Comment: Not observed at significant frequency in large population cohorts (gnomAD); In silico analysis indicates that this missense variant does not alter protein structure/function; Has not been previously published as pathogenic or benign to our knowledge